The following is an entry in ClinVar:

ClinVar aggregate classification (germline): Pathogenic/Likely pathogenic. Review status: criteria provided, multiple submitters, no conflicts (2 of 4 stars). 9 submissions from 9 submitters: Pathogenic (6); Likely pathogenic (1). 2 of the submissions do not count toward it. Last evaluated 2025-07-22.

Conditions:
ELANE-related disorders.
Neutropenia, severe congenital, 1, autosomal dominant. Identifiers: MedGen C1859966, MONDO:0042490, OMIM 202700.
Cyclical neutropenia. Also called: Cyclic hematopoiesis; Cyclic Neutropenia. Identifiers: Orphanet 2686, MedGen C0221023, MONDO:0008090, OMIM 162800, HP:0040289. Disease mechanism: loss of function.

Submissions (9):

Labcorp Genetics (formerly Invitae), Labcorp
Classification: Pathogenic for Neutropenia, severe congenital, 1, autosomal dominant; Cyclical neutropenia. Last evaluated: 2025-07-22. Review status: criteria provided, single submitter. Criteria: Invitae Variant Classification Sherloc (09022015). Collection method: clinical testing. Allele origin: germline.
Comment: This sequence change replaces proline, which is neutral and non-polar, with leucine, which is neutral and non-polar, at codon 139 of the ELANE protein (p.Pro139Leu). This variant is not present in population databases (gnomAD no frequency). This missense change has been observed in individual(s) with cyclical neutropenia and neutropenia (PMID: 11001877, 14962902, 21425445, 23463630, 30040071; internal data). In at least one individual the variant was observed to be de novo. This variant is also known as P110L. ClinVar contains an entry for this variant (Variation ID: 16743). Invitae Evidence Modeling of protein sequence and biophysical properties (such as structural, functional, and spatial information, amino acid conservation, physicochemical variation, residue mobility, and thermodynamic stability) has been performed for this missense variant. However, the output from this modeling did not meet the statistical confidence thresholds required to predict the impact of this variant on ELANE protein function. For these reasons, this variant has been classified as Pathogenic.

Mayo Clinic Laboratories, Mayo Clinic
Classification: Pathogenic. Last evaluated: 2024-07-25. Review status: criteria provided, single submitter. Criteria: ACMG Guidelines, 2015. Collection method: clinical testing. Allele origin: germline.
Comment: PP1_moderate, PP3, PM2, PS3_moderate, PS4

GeneDx
Classification: Pathogenic. Last evaluated: 2023-11-29. Review status: criteria provided, single submitter. Criteria: GeneDx Variant Classification Process June 2021. Collection method: clinical testing. Allele origin: germline. Affected: yes.
Comment: Not observed at significant frequency in large population cohorts (gnomAD); In silico analysis supports that this missense variant has a deleterious effect on protein structure/function; Also known as P110L; This variant is associated with the following publications: (PMID: 34340247, 30040071, 16079102, 25427142, 16986121, 18028488, 31321910, 34093558, 34573280, 32888943, 14962902, 21425445, 11001877, 23463630)

ARUP Laboratories, Molecular Genetics and Genomics, ARUP Laboratories
Classification: Pathogenic. Last evaluated: 2023-03-28. Review status: criteria provided, single submitter. Criteria: ARUP Molecular Germline Variant Investigation Process 2024. Collection method: clinical testing. Allele origin: germline.
Comment: The ELANE c.416C>T; p.Pro139Leu variant (rs137854448), also known as Pro110Leu for legacy numbering, is reported in individuals with neutropenia (Dale 2000, Engelbrecht 2021, Kurnikova 2011, Olcay 2018, Platt 2021). This variant is also reported in ClinVar (Variation ID: 16743). It is absent from the Genome Aggregation Database, indicating it is not a common polymorphism. Computational analyses predict that this variant is deleterious (REVEL: 0.793). Based on available information, this variant is considered to be pathogenic. References: Dale DC et al. Mutations in the gene encoding neutrophil elastase in congenital and cyclic neutropenia. Blood. 2000 Oct 1;96(7):2317-22. PMID: 11001877. Engelbrecht C et al. Clinical Utility of Whole Exome Sequencing and Targeted Panels for the Identification of Inborn Errors of Immunity in a Resource-Constrained Setting. Front Immunol. 2021 May 21;12:665621. PMID: 34093558. Kurnikova M et al. Four novel ELANE mutations in patients with congenital neutropenia. Pediatr Blood Cancer. 2011 Aug;57(2):332-5. PMID: 21425445. Olcay L et al. Both Granulocytic and Non-Granulocytic Blood Cells Are Affected in Patients with Severe Congenital Neutropenia and Their Non-Neutropenic Family Members: An Evaluation of Morphology, Function, and Cell Death. Turk J Haematol. 2018 Nov 13;35(4):229-259. PMID: 30040071. Platt CD et al. Efficacy and economics of targeted panel versus whole-exome sequencing in 878 patients with suspected primary immunodeficiency. J Allergy Clin Immunol. 2021 Feb;147(2):723-726. PMID: 32888943.

Blueprint Genetics
Classification: Pathogenic for ELANE-related disorders. Last evaluated: 2021-07-21. Review status: criteria provided, single submitter. Criteria: ACMG Guidelines, 2015. Collection method: clinical testing. Allele origin: germline. Affected: yes. Observed: 5 variant alleles.

Genetic Services Laboratory, University of Chicago
Classification: Pathogenic. Last evaluated: 2018-12-28. Review status: criteria provided, single submitter. Criteria: ACMG Guidelines, 2015. Collection method: clinical testing. Allele origin: germline. Affected: yes.

Fulgent Genetics
Classification: Likely pathogenic for Cyclical neutropenia; Neutropenia, severe congenital, 1, autosomal dominant. Last evaluated: 2018-10-31. Review status: criteria provided, single submitter. Criteria: ACMG Guidelines, 2015. Collection method: clinical testing. Allele origin: unknown.

OMIM
Classification: Pathogenic for NEUTROPENIA, SEVERE CONGENITAL, 1, AUTOSOMAL DOMINANT. Last evaluated: 2008-01-01. Review status: no assertion criteria provided. Collection method: literature only. Allele origin: germline. Not counted in ClinVar's aggregate classification.

GeneReviews
No classification provided. Condition: Cyclical neutropenia. Review status: no classification provided. Collection method: literature only. Allele origin: germline. Not counted in ClinVar's aggregate classification.

Literature cited by the submitters: PubMed 11001877 (cited by 3 submitters); PubMed 14962902 (cited by Labcorp Genetics (formerly Invitae), Labcorp and Mayo Clinic Laboratories, Mayo Clinic); PubMed 21425445 (cited by Labcorp Genetics (formerly Invitae), Labcorp and Mayo Clinic Laboratories, Mayo Clinic); PubMed 23463630 (cited by Labcorp Genetics (formerly Invitae), Labcorp and Mayo Clinic Laboratories, Mayo Clinic); PubMed 30040071 (cited by Labcorp Genetics (formerly Invitae), Labcorp and Mayo Clinic Laboratories, Mayo Clinic); PubMed 16079102 (cited by Mayo Clinic Laboratories, Mayo Clinic); PubMed 31248972 (cited by Mayo Clinic Laboratories, Mayo Clinic); PubMed 31321910 (cited by Mayo Clinic Laboratories, Mayo Clinic); PubMed 32888943 (cited by Mayo Clinic Laboratories, Mayo Clinic); PubMed 34093558 (cited by Mayo Clinic Laboratories, Mayo Clinic); PubMed 34340247 (cited by Mayo Clinic Laboratories, Mayo Clinic); PubMed 34573280 (cited by Mayo Clinic Laboratories, Mayo Clinic); PubMed 37288978 (cited by Mayo Clinic Laboratories, Mayo Clinic); PubMed 18028488 (cited by OMIM).

NM_001972.4(ELANE):c.416C>T (p.Pro139Leu)

Gene: ELANE (elastase, neutrophil expressed; plus strand). Cytogenetic location: 19p13.3.
Variant type: single nucleotide variant.
Coding change: c.416C>T on transcript NM_001972.4 (MANE Select); coding-DNA position 416, C replaced by T.
Protein change: p.Pro139Leu; replaces proline 139 with leucine.
Molecular consequence: missense variant.
Genome position (GRCh38, 1-based): chr19:855,613, C>T. VCF-style: chr19-855613-C-T. GRCh37 (hg19) VCF-style: chr19-855613-C-T.
Other names: P110L; c.416C>T, p.Pro139Leu (LRG_57t1); short protein forms P139L.
Identifiers: ClinVar variation 16743 (VCV000016743.29), dbSNP rs137854448, ClinGen allele CA281050.